The following is an entry in ClinVar:

ClinVar aggregate classification (germline): Benign (1 of 4 stars; one submission).

Allele frequency attached by ClinVar (database versions not stated): gnomAD 0.14949 and 0.15238; 1000 Genomes Project 0.15375; 1000 Genomes Project 30x 0.16115; TOPMed 0.15817; gnomAD exomes 0.15493.

Submission:

GeneDx
Classification: Benign. Last evaluated: 2018-06-19. Review status: criteria provided, single submitter. Criteria: GeneDx Variant Classification (06012015). Collection method: clinical testing. Allele origin: germline. Affected: yes.
Comment: This variant is considered likely benign or benign based on one or more of the following criteria: it is a conservative change, it occurs at a poorly conserved position in the protein, it is predicted to be benign by multiple in silico algorithms, and/or has population frequency not consistent with disease.

NM_018400.3(SCN3B):c.-955A>C

Genes: SCN3B (sodium voltage-gated channel beta subunit 3; minus strand), LOC130006993 (ATAC-STARR-seq lymphoblastoid silent region 4021; plus strand). Cytogenetic location: 11q24.1.
Variant type: single nucleotide variant.
Coding change: c.-955A>C on transcript NM_018400.3; 955 bases upstream of the start codon, A replaced by C.
Genome position (GRCh38, 1-based): chr11:123,654,756, T>G on the plus strand (A>C on the coding strand, the complement: SCN3B is on the minus strand). VCF-style: chr11-123654756-T-G. GRCh37 (hg19) VCF-style: chr11-123525464-T-G.
Identifiers: ClinVar variation 671028 (VCV000671028.3), dbSNP rs12422066, ClinGen allele CA13400877.